The following is an entry in ClinVar:

NM_001371727.1(GABRB2):c.815C>T (p.Ala272Val)

Gene: GABRB2 (gamma-aminobutyric acid type A receptor subunit beta2; minus strand). Cytogenetic location: 5q34.
Variant type: single nucleotide variant.
Coding change: c.815C>T on transcript NM_001371727.1 (MANE Select); coding-DNA position 815, C replaced by T.
Protein change: p.Ala272Val; replaces alanine 272 with valine.
Molecular consequence: missense variant.
Genome position (GRCh38, 1-based): chr5:161,334,769, G>A on the plus strand (C>T on the coding strand, the complement: GABRB2 is on the minus strand). VCF-style: chr5-161334769-G-A. GRCh37 (hg19) VCF-style: chr5-160761776-G-A.
Other names: c.815C>T, p.Ala272Val (NM_000813.3, NM_021911.3); short protein forms A272V.
Identifiers: ClinVar variation 944948 (VCV000944948.1), dbSNP rs1753943911, ClinGen allele CA362171500.
Genomic context (GRCh38, chr5:161,334,769, plus strand): 5'-ACACACAGAGTCAAAATCCACAAGCAGTAATAAAATGGCCTACCTAATGCCACCCTTGCA[G>A]CTGAAGCATCGTAATTAATCCAGAAGGAGACCCAGGAGAGGATGGTAATCAGGATGGAAG-3'
Protein context (NP_001358656.1, residues 262-282): VSFWINYDAS[Ala272Val]ARVALGITTV

ClinVar aggregate classification (germline): Uncertain significance (1 of 4 stars; one submission).

Conditions:
Intellectual disability. Also called: Intellectual functioning disability; Intellectual developmental disorder; intellectual disabilities. Identifiers: MedGen C3714756, MeSH D008607, MONDO:0001071, HP:0001249.

Submission:

Labcorp Genetics (formerly Invitae), Labcorp
Classification: Uncertain significance for Intellectual disability. Last evaluated: 2019-05-14. Review status: criteria provided, single submitter. Criteria: Invitae Variant Classification Sherloc (09022015). Collection method: clinical testing. Allele origin: germline.
Comment: This sequence change replaces alanine with valine at codon 272 of the GABRB2 protein (p.Ala272Val). The alanine residue is highly conserved and there is a small physicochemical difference between alanine and valine. This variant is not present in population databases (ExAC no frequency). This variant has not been reported in the literature in individuals with GABRB2-related conditions. Algorithms developed to predict the effect of missense changes on protein structure and function are either unavailable or do not agree on the potential impact of this missense change (SIFT: "Deleterious"; PolyPhen-2: "Probably Damaging"; Align-GVGD: "Class C0"). In summary, the available evidence is currently insufficient to determine the role of this variant in disease. Therefore, it has been classified as a Variant of Uncertain Significance.